The following is an entry in ClinVar:

NM_019074.4(DLL4):c.1312G>A (p.Glu438Lys)

Gene: DLL4 (delta like canonical Notch ligand 4; plus strand). Cytogenetic location: 15q15.1.
Variant type: single nucleotide variant.
Coding change: c.1312G>A on transcript NM_019074.4 (MANE Select); coding-DNA position 1312, G replaced by A.
Protein change: p.Glu438Lys; replaces glutamic acid 438 with lysine.
Molecular consequence: missense variant.
Genome position (GRCh38, 1-based): chr15:40,936,299, G>A. VCF-style: chr15-40936299-G-A. GRCh37 (hg19) VCF-style: chr15-41228497-G-A.
Other names: short protein forms E438K.
Identifiers: ClinVar variation 2074343 (VCV002074343.4), dbSNP rs2542549086, ClinGen allele CA391780388.

ClinVar aggregate classification (germline): Uncertain significance (1 of 4 stars; one submission).

Allele frequency attached by ClinVar (database versions not stated): gnomAD exomes below 0.00001.
gnomAD v4.1: 3 of 1,609,442 alleles (0.00019%); highest among the groups gnomAD compares: Non-Finnish European, 0.00025%; no homozygotes.

Submission:

Labcorp Genetics (formerly Invitae), Labcorp
Classification: Uncertain significance. Last evaluated: 2022-11-01. Review status: criteria provided, single submitter. Criteria: Invitae Variant Classification Sherloc (09022015). Collection method: clinical testing. Allele origin: germline.
Comment: In summary, the available evidence is currently insufficient to determine the role of this variant in disease. Therefore, it has been classified as a Variant of Uncertain Significance. Advanced modeling of protein sequence and biophysical properties (such as structural, functional, and spatial information, amino acid conservation, physicochemical variation, residue mobility, and thermodynamic stability) performed at Invitae indicates that this missense variant is not expected to disrupt DLL4 protein function. This variant has not been reported in the literature in individuals affected with DLL4-related conditions. This variant is not present in population databases (gnomAD no frequency). This sequence change replaces glutamic acid, which is acidic and polar, with lysine, which is basic and polar, at codon 438 of the DLL4 protein (p.Glu438Lys).